The following is an entry in ClinVar:

NM_001458.5(FLNC):c.6616C>T (p.Arg2206Trp)

Genes: FLNC (filamin C; plus strand), FLNC-AS1 (FLNC antisense RNA 1; minus strand). Cytogenetic location: 7q32.1.
Variant type: single nucleotide variant.
Coding change: c.6616C>T on transcript NM_001458.5 (MANE Select); coding-DNA position 6616, C replaced by T.
Protein change: p.Arg2206Trp; replaces arginine 2206 with tryptophan.
Molecular consequence: missense variant.
Genome position (GRCh38, 1-based): chr7:128,854,105, C>T. VCF-style: chr7-128854105-C-T. GRCh37 (hg19) VCF-style: chr7-128494159-C-T.
Other names: c.6517C>T, p.Arg2173Trp (NM_001127487.2); short protein forms R2206W, R2173W.
Identifiers: ClinVar variation 1367236 (VCV001367236.11), dbSNP rs867032077, ClinGen allele CA166191170.

ClinVar aggregate classification (germline): Uncertain significance. Review status: criteria provided, multiple submitters, no conflicts (2 of 4 stars). 3 submissions from 3 submitters: Uncertain significance (3). Last evaluated 2025-12-15.

Conditions:
Myofibrillar myopathy 5. Also called: FILAMINOPATHY, AUTOSOMAL DOMINANT; Filaminopathy (type). Identifiers: Orphanet 171445, MedGen C1836050, MONDO:0012289, OMIM 609524.
Distal myopathy with posterior leg and anterior hand involvement. Also called: WILLIAMS DISTAL MYOPATHY. Identifiers: Orphanet 63273, MedGen C3279722, MONDO:0013550, OMIM 614065.
Hypertrophic cardiomyopathy 26. Also called: Cardiomyopathy, familial hypertrophic, 26. Identifiers: Orphanet 75249, MedGen C4310749, MONDO:0014883, OMIM 617047.
Cardiovascular phenotype. Identifiers: MedGen CN230736.

gnomAD v4.1: 3 of 1,612,138 alleles (0.00019%); highest among the groups gnomAD compares: South Asian, 0.0011%; no homozygotes.

Submissions (3):

Labcorp Genetics (formerly Invitae), Labcorp
Classification: Uncertain significance for Distal myopathy with posterior leg and anterior hand involvement; Myofibrillar myopathy 5; Hypertrophic cardiomyopathy 26. Last evaluated: 2025-12-15. Review status: criteria provided, single submitter. Criteria: Invitae Variant Classification Sherloc (09022015). Collection method: clinical testing. Allele origin: germline.
Comment: This sequence change replaces arginine, which is basic and polar, with tryptophan, which is neutral and slightly polar, at codon 2206 of the FLNC protein (p.Arg2206Trp). The frequency data for this variant in the population databases is considered unreliable, as metrics indicate poor data quality at this position in the gnomAD database. This variant has not been reported in the literature in individuals affected with FLNC-related conditions. ClinVar contains an entry for this variant (Variation ID: 1367236). An algorithm developed to predict the effect of missense changes on protein structure and function (PolyPhen-2) suggests that this variant is likely to be tolerated. In summary, the available evidence is currently insufficient to determine the role of this variant in disease. Therefore, it has been classified as a Variant of Uncertain Significance.

Ambry Genetics
Classification: Uncertain significance for Cardiovascular phenotype. Last evaluated: 2023-06-23. Review status: criteria provided, single submitter. Criteria: Ambry Variant Classification Scheme 2023. Collection method: clinical testing. Allele origin: germline.
Comment: The p.R2206W variant (also known as c.6616C>T), located in coding exon 40 of the FLNC gene, results from a C to T substitution at nucleotide position 6616. The arginine at codon 2206 is replaced by tryptophan, an amino acid with dissimilar properties. This amino acid position is highly conserved in available vertebrate species. In addition, the in silico prediction for this alteration is inconclusive. Since supporting evidence is limited at this time, the clinical significance of this alteration remains unclear.

Juno Genomics, Hangzhou Juno Genomics, Inc
Classification: Uncertain significance for Hypertrophic cardiomyopathy 26; Distal myopathy with posterior leg and anterior hand involvement; Myofibrillar myopathy 5. Review status: criteria provided, single submitter. Criteria: ACMG Guidelines, 2015. Collection method: clinical testing. Allele origin: germline.
Comment: Absent from controls (or at extremely low frequency if recessive) in Genome Aggregation Database.;Missense variant in a gene that has a low rate of benign missense variation.